The following is an entry in ClinVar:

NM_016373.4(WWOX):c.971G>A (p.Gly324Glu)

Gene: WWOX (WW domain containing oxidoreductase; plus strand). Cytogenetic location: 16q23.1.
Variant type: single nucleotide variant.
Coding change: c.971G>A on transcript NM_016373.4 (MANE Select); coding-DNA position 971, G replaced by A.
Protein change: p.Gly324Glu; replaces glycine 324 with glutamic acid.
Molecular consequence: missense variant.
Genome position (GRCh38, 1-based): chr16:78,432,667, G>A. VCF-style: chr16-78432667-G-A. GRCh37 (hg19) VCF-style: chr16-78466564-G-A.
Other names: c.632G>A, p.Gly211Glu (NM_001291997.2); short protein forms G211E, G324E.
Identifiers: ClinVar variation 1350134 (VCV001350134.7), dbSNP rs766163069, ClinGen allele CA8183584.

ClinVar aggregate classification (germline): Uncertain significance. Review status: criteria provided, multiple submitters, no conflicts (2 of 4 stars). 2 submissions from 2 submitters: Uncertain significance (2). Last evaluated 2022-05-06.

Conditions:
Autosomal recessive spinocerebellar ataxia 12. Also called: SPINOCEREBELLAR ATAXIA WITH MENTAL RETARDATION AND EPILEPSY. Identifiers: Orphanet 284282, MedGen C3280452, MONDO:0013687, OMIM 614322.
Developmental and epileptic encephalopathy, 1 (DEE1). Also called: X-linked infantile spasms; West's syndrome; Tonic spasms with clustering, arrest of psychomotor development and hypsarrhythmia on EEG; X-Linked Infantile Spasm Syndrome; OHTAHARA SYNDROME, X-LINKED; INFANTILE SPASM SYNDROME, X-LINKED 1. Identifiers: MedGen C3463992, MONDO:0010632, OMIM 308350. Disease mechanism: loss of function.

Allele frequency attached by ClinVar (database versions not stated): ExAC 0.00001; gnomAD 0.00001; gnomAD exomes 0.00001.
gnomAD v4.1: 4 of 1,614,076 alleles (0.00025%); highest among the groups gnomAD compares: South Asian, 0.0011%; no homozygotes.

Submissions (2):

Blueprint Genetics
Classification: Uncertain significance. Last evaluated: 2022-05-06. Review status: criteria provided, single submitter. Criteria: ACMG Guidelines, 2015. Collection method: clinical testing. Allele origin: germline.

Labcorp Genetics (formerly Invitae), Labcorp
Classification: Uncertain significance for Developmental and epileptic encephalopathy, 1; Autosomal recessive spinocerebellar ataxia 12. Last evaluated: 2020-11-22. Review status: criteria provided, single submitter. Criteria: Invitae Variant Classification Sherloc (09022015). Collection method: clinical testing. Allele origin: germline.
Comment: Algorithms developed to predict the effect of missense changes on protein structure and function are either unavailable or do not agree on the potential impact of this missense change (SIFT: "Not Available"; PolyPhen-2: "Probably Damaging"; Align-GVGD: "Not Available"). This sequence change replaces glycine with glutamic acid at codon 324 of the WWOX protein (p.Gly324Glu). The glycine residue is highly conserved and there is a moderate physicochemical difference between glycine and glutamic acid. This variant is present in population databases (rs766163069, ExAC 0.006%). This variant has not been reported in the literature in individuals with WWOX-related conditions. In summary, the available evidence is currently insufficient to determine the role of this variant in disease. Therefore, it has been classified as a Variant of Uncertain Significance.